The following is an entry in ClinVar:

NM_001128178.3(NPHP1):c.690G>A (p.Ala230=)

Gene: NPHP1 (nephrocystin 1; minus strand). Cytogenetic location: 2q13.
Variant type: single nucleotide variant.
Coding change: c.690G>A on transcript NM_001128178.3 (MANE Select); coding-DNA position 690, G replaced by A.
Protein change: p.Ala230=; no amino-acid change (alanine 230 retained).
Molecular consequence: synonymous variant.
Genome position (GRCh38, 1-based): chr2:110,165,090, C>T on the plus strand (G>A on the coding strand, the complement: NPHP1 is on the minus strand). VCF-style: chr2-110165090-C-T. GRCh37 (hg19) VCF-style: chr2-110922667-C-T.
Other names: c.690G>A, p.Ala230= (NM_000272.5, NM_001374256.1, NM_001374257.1 and 1 more transcripts); c.504G>A, p.Ala168= (NM_001128179.3).
Identifiers: ClinVar variation 704081 (VCV000704081.25), dbSNP rs775869913, ClinGen allele CA1827309.
Genomic context (GRCh38, chr2:110,165,090, plus strand): 5'-ATATCCTTTCCCACTTTTGTACCTTTGCTTAACTTCTGCTCCATCTGCTGTTTCATCCAC[C>T]GCCTCTACATCTTCTTCACTGCCCTCTTCACTTGACTCTTGGCCTTCTTCTTCTTCACTA-3'
Protein context (NP_001121650.1, residues 220-240): SEEGSEEDVE[Ala230=]VDETADGAEV

ClinVar aggregate classification (germline): Likely benign. Review status: criteria provided, multiple submitters, no conflicts (2 of 4 stars). 3 submissions from 3 submitters: Likely benign (2). 1 of the submissions does not count toward it. Last evaluated 2025-02-18.

Conditions:
NPHP1-related disorder. Also called: NPHP1-related disorders; NPHP1-related condition.
Nephronophthisis. Also called: Juvenile Nephronophthisis. Identifiers: Orphanet 655, MedGen C0687120, MONDO:0019005, HP:0000090.

Allele frequency attached by ClinVar (database versions not stated): gnomAD exomes 0.00001 and 0.00002; ExAC 0.00002; gnomAD 0.00002; TOPMed 0.00002.

Submissions (3):

Labcorp Genetics (formerly Invitae), Labcorp
Classification: Likely benign for Nephronophthisis. Last evaluated: 2025-02-18. Review status: criteria provided, single submitter. Criteria: Invitae Variant Classification Sherloc (09022015). Collection method: clinical testing. Allele origin: germline.

CeGaT Center for Human Genetics Tuebingen
Classification: Likely benign. Last evaluated: 2025-01-01. Review status: criteria provided, single submitter. Criteria: CeGaT Center For Human Genetics Tuebingen Variant Classification Criteria Version 2. Collection method: clinical testing. Allele origin: germline. Affected: yes. Observed: 1 variant allele.
Comment: NPHP1: BP4, BP7

PreventionGenetics, part of Exact Sciences
Classification: Likely benign for NPHP1-related condition. Last evaluated: 2022-06-10. Review status: no assertion criteria provided. Collection method: clinical testing. Allele origin: germline. Not counted in ClinVar's aggregate classification.
Comment: This variant is classified as likely benign based on ACMG/AMP sequence variant interpretation guidelines (Richards et al. 2015 PMID: 25741868, with internal and published modifications).